The following is an entry in ClinVar:

ClinVar aggregate classification (germline): Pathogenic (1 of 4 stars; one submission).

Conditions:
Neurofibromatosis, type 1 (NF1). Also called: NEUROFIBROMATOSIS, TYPE I, SOMATIC; Neurofibromatosis, type I; Peripheral type neurofibromatosis; VON RECKLINGHAUSEN DISEASE. Identifiers: Orphanet 636, MedGen C0027831, MONDO:0018975, OMIM 162200. Disease mechanism: loss of function.

Submission:

Labcorp Genetics (formerly Invitae), Labcorp
Classification: Pathogenic for Neurofibromatosis, type 1. Last evaluated: 2022-01-19. Review status: criteria provided, single submitter. Criteria: Invitae Variant Classification Sherloc (09022015). Collection method: clinical testing. Allele origin: germline.
Comment: For these reasons, this variant has been classified as Pathogenic. This variant has not been reported in the literature in individuals affected with NF1-related conditions. This variant is not present in population databases (gnomAD no frequency). This sequence change creates a premature translational stop signal (p.Gln1101Thrfs*5) in the NF1 gene. It is expected to result in an absent or disrupted protein product. Loss-of-function variants in NF1 are known to be pathogenic (PMID: 10712197, 23913538).

Literature cited by the submitters: PubMed 10712197; PubMed 23913538.

NM_001042492.3(NF1):c.3299dup (p.Gln1101fs)

Gene: NF1 (neurofibromin 1; plus strand). Cytogenetic location: 17q11.2.
Variant type: Duplication.
Coding change: c.3299dup on transcript NM_001042492.3 (MANE Select); coding-DNA position 3299, one base duplicated (C; older notation c.3299dupC).
Protein change: p.Gln1101fs; shifts the reading frame from glutamine 1101.
Molecular consequence: frameshift variant.
Genome position (GRCh38, 1-based): chr17:31,232,174, C duplicated. VCF-style (leftmost placement, unchanged base first): chr17-31232173-T-TC. GRCh37 (hg19) VCF-style: chr17-29559191-T-TC.
Other names: c.3299dup, p.Gln1101Thrfs (NM_000267.4); short protein forms Q1101fs.
Identifiers: ClinVar variation 2087941 (VCV002087941.4), dbSNP rs2508225025, ClinGen allele CA2580092988.